The following is an entry in ClinVar:

NM_022124.6(CDH23):c.1542CAT[1] (p.Ile515del)

Gene: CDH23 (cadherin related 23; plus strand). Cytogenetic location: 10q22.1.
Variant type: Microsatellite.
Coding change: c.1542CAT[1] on transcript NM_022124.6 (MANE Select); one copy of the 3-base unit CAT starting at c.1542; the reference has two copies in a row; one copy, 3 bases deleted.
Protein change: p.Ile515del; deletes isoleucine 515.
Molecular consequence: inframe deletion.
Genome position (GRCh38, 1-based): chr10:71,677,486-71,677,488, CAT deleted; deleting any 3 consecutive bases within chr10:71,677,482-71,677,488 gives the same sequence; the position shown is the placement nearest the transcript's 3' end. VCF-style (leftmost placement, unchanged base first): chr10-71677481-CTCA-C. GRCh37 (hg19) VCF-style: chr10-73437238-CTCA-C.
Other names: c.1542CAT[1], p.Ile515del (NM_001171930.2, NM_001171931.2); short protein forms I515del.
Identifiers: ClinVar variation 162886 (VCV000162886.8), dbSNP rs727502922, ClinGen allele CA175468.
Genomic context (GRCh38, chr10:71,677,481, plus strand): 5'-GTGTTCCTTCTCTCCATCCTCTCGGCCTGGCACAGGTTCTCGCTGGACAAGGACACGGGA[CTCA>C]TCATGCTGATTGCCAGGCTGGACTATGAGCTCATCCAGCGCTTCACCCTGACGATCATTG-3'

ClinVar aggregate classification (germline): Uncertain significance. Review status: criteria provided, multiple submitters, no conflicts (2 of 4 stars). 2 submissions from 2 submitters: Uncertain significance (2). Last evaluated 2022-03-26.

Submissions (2):

Labcorp Genetics (formerly Invitae), Labcorp
Classification: Uncertain significance. Last evaluated: 2022-03-26. Review status: criteria provided, single submitter. Criteria: Invitae Variant Classification Sherloc (09022015). Collection method: clinical testing. Allele origin: germline.
Comment: ClinVar contains an entry for this variant (Variation ID: 162886). In summary, the available evidence is currently insufficient to determine the role of this variant in disease. Therefore, it has been classified as a Variant of Uncertain Significance. Experimental studies and prediction algorithms are not available or were not evaluated, and the functional significance of this variant is currently unknown. This variant has been observed in individual(s) with autosomal recessive deafness (PMID: 28000701). This variant is not present in population databases (gnomAD no frequency). This variant, c.1545_1547del, results in the deletion of 1 amino acid(s) of the CDH23 protein (p.Ile515del), but otherwise preserves the integrity of the reading frame.

Laboratory for Molecular Medicine, Mass General Brigham Personalized Medicine
Classification: Uncertain significance. Last evaluated: 2014-02-13. Review status: criteria provided, single submitter. Criteria: LMM Criteria. Collection method: clinical testing. Allele origin: germline. Observed: 1 variant allele.
Comment: The Ile515del variant in CDH23 has not been previously reported in individuals w ith hearing loss. Data from large population studies is insufficient to assess the frequency of this variant. This variant causes an in-frame deletion of an a mino acid residue (Ile) at position 515. This variant is a deletion of one amino acid at position 515 and is not predicted to alter the protein reading-frame. I t is unclear if this deletion will impact the protein. In summary, additional in formation is needed to determine the clinical significance of this variant.

Literature cited by the submitters: PubMed 28000701 (cited by Labcorp Genetics (formerly Invitae), Labcorp).